The following is an entry in ClinVar:

NM_004655.4(AXIN2):c.1759G>C (p.Glu587Gln)

Gene: AXIN2 (axin 2; minus strand). Cytogenetic location: 17q24.1.
Variant type: single nucleotide variant.
Coding change: c.1759G>C on transcript NM_004655.4 (MANE Select); coding-DNA position 1759, G replaced by C.
Protein change: p.Glu587Gln; replaces glutamic acid 587 with glutamine.
Molecular consequence: missense variant. On other transcripts: intron variant (1).
Genome position (GRCh38, 1-based): chr17:65,537,017, C>G on the plus strand (G>C on the coding strand, the complement: AXIN2 is on the minus strand). VCF-style: chr17-65537017-C-G. GRCh37 (hg19) VCF-style: chr17-63533135-C-G.
Other names: c.1712+307G>C (NM_001363813.1); short protein forms E587Q.
Identifiers: ClinVar variation 859823 (VCV000859823.11), dbSNP rs1344107562, ClinGen allele CA400676676.

ClinVar aggregate classification (germline): Conflicting classifications of pathogenicity. Review status: criteria provided, conflicting classifications (1 of 4 stars). 2 submissions from 2 submitters: Uncertain significance (1); Likely benign (1). Last evaluated 2025-04-11.

Conditions:
Oligodontia-cancer predisposition syndrome. Also called: TOOTH AGENESIS-COLORECTAL CANCER SYNDROME. Identifiers: Orphanet 300576, MedGen C1837750, MONDO:0012075, OMIM 608615. Disease mechanism: loss of function.
Hereditary cancer-predisposing syndrome. Also called: Tumor predisposition; Hereditary neoplastic syndrome; Neoplastic Syndromes, Hereditary; Hereditary Cancer Syndrome. Identifiers: Orphanet 140162, MedGen C0027672, MeSH D009386, MONDO:0015356.

Allele frequency attached by ClinVar (database versions not stated): gnomAD exomes below 0.00001.
gnomAD v4.1: 2 of 1,610,742 alleles (0.00012%); highest among the groups gnomAD compares: East Asian, 0.0022%; no homozygotes.

Submissions (2):

Ambry Genetics
Classification: Likely benign for Hereditary cancer-predisposing syndrome. Last evaluated: 2025-04-11. Review status: criteria provided, single submitter. Criteria: Ambry Variant Classification Scheme 2023. Collection method: clinical testing. Allele origin: germline.

Labcorp Genetics (formerly Invitae), Labcorp
Classification: Uncertain significance for Oligodontia-cancer predisposition syndrome. Last evaluated: 2025-01-27. Review status: criteria provided, single submitter. Criteria: Invitae Variant Classification Sherloc (09022015). Collection method: clinical testing. Allele origin: germline.
Comment: This sequence change replaces glutamic acid, which is acidic and polar, with glutamine, which is neutral and polar, at codon 587 of the AXIN2 protein (p.Glu587Gln). This variant is present in population databases (no rsID available, gnomAD 0.006%). This variant has not been reported in the literature in individuals affected with AXIN2-related conditions. ClinVar contains an entry for this variant (Variation ID: 859823). Invitae Evidence Modeling of protein sequence and biophysical properties (such as structural, functional, and spatial information, amino acid conservation, physicochemical variation, residue mobility, and thermodynamic stability) indicates that this missense variant is not expected to disrupt AXIN2 protein function with a negative predictive value of 80%. In summary, the available evidence is currently insufficient to determine the role of this variant in disease. Therefore, it has been classified as a Variant of Uncertain Significance.